The following is an entry in ClinVar:

ClinVar aggregate classification (germline): Pathogenic (1 of 4 stars; one submission).

Conditions:
Microphthalmia, isolated, with coloboma 3 (MCOPCB3). Also called: MICROPHTHALMIA/COLOBOMA 3; MICROPHTHALMIA, COLOBOMATOUS, 3. Identifiers: Orphanet 98938, MedGen C1864721, MONDO:0012408, OMIM 610092.

Submission:

Myriad Genetics, Inc.
Classification: Pathogenic for Microphthalmia, isolated, with coloboma 3. Last evaluated: 2024-05-14. Review status: criteria provided, single submitter. Criteria: Myriad Autosomal Dominant, Autosomal Recessive and X-Linked Classification Criteria (2023). Collection method: clinical testing. Allele origin: unknown.
Comment: NM_182894.2(VSX2):c.361_362del2ins21(A121Ifs*12) is expected to be pathogenic in the context of microphthalmia, anophthalmia, and coloboma, VSX2-related. This variant is predicted to lead to an abnormal or absent protein product due to the creation of a premature termination codon in VSX2, a gene where loss-of-function variants are known to be pathogenic. Please note: this variant was assessed in the context of healthy population screening.

NM_182894.3(VSX2):c.361_362delinsATCACAGATGTGTATAAGAGA (p.Ala121fs)

Gene: VSX2 (visual system homeobox 2; plus strand). Cytogenetic location: 14q24.3.
Variant type: Indel.
Coding change: c.361_362delinsATCACAGATGTGTATAAGAGA on transcript NM_182894.3 (MANE Select); coding-DNA positions 361 to 362, GC replaced by ATCACAGATGTGTATAAGAGA.
Protein change: p.Ala121fs; shifts the reading frame from alanine 121.
Molecular consequence: frameshift variant.
Genome position (GRCh38, 1-based): chr14:74,239,922-74,239,923, GC replaced by ATCACAGATGTGTATAAGAGA. VCF-style: chr14-74239922-GC-ATCACAGATGTGTATAAGAGA. GRCh37 (hg19) VCF-style: chr14-74706625-GC-ATCACAGATGTGTATAAGAGA.
Other names: short protein forms A121fs.
Identifiers: ClinVar variation 5016441 (VCV005016441.1).